The following is an entry in ClinVar:

NM_001278512.2(AP3B2):c.2497+2dup

Genes: AP3B2 (adaptor related protein complex 3 subunit beta 2; minus strand), CPEB1-AS1 (CPEB1 antisense RNA 1; plus strand). Cytogenetic location: 15q25.2.
Variant type: Duplication.
Coding change: c.2497+2dup on transcript NM_001278512.2 (MANE Select); the canonical splice donor site of the intron after coding-DNA position 2497, one base duplicated (T; older notation c.2497+2dupT).
Molecular consequence: splice donor variant.
Genome position (GRCh38, 1-based): chr15:82,663,558, A duplicated on the plus strand (T on the coding strand, the reverse complement: AP3B2 is on the minus strand). VCF-style (leftmost placement, unchanged base first): chr15-82663557-C-CA. GRCh37 (hg19) VCF-style: chr15-83332309-C-CA.
Other names: c.2344+2dup (NM_001278511.2); c.2440+2dup (NM_004644.5).
Identifiers: ClinVar variation 2755458 (VCV002755458.3), dbSNP rs774369761, ClinGen allele CA7699897.

ClinVar aggregate classification (germline): Uncertain significance (1 of 4 stars; one submission).

Allele frequency attached by ClinVar (database versions not stated): gnomAD exomes below 0.00001; ExAC 0.00001.

Submission:

Labcorp Genetics (formerly Invitae), Labcorp
Classification: Uncertain significance. Last evaluated: 2023-11-27. Review status: criteria provided, single submitter. Criteria: Invitae Variant Classification Sherloc (09022015). Collection method: clinical testing. Allele origin: germline.
Comment: This sequence change falls in intron 20 of the AP3B2 gene. It does not directly change the encoded amino acid sequence of the AP3B2 protein. It affects a nucleotide within the consensus splice site. This variant is present in population databases (rs774369761, gnomAD 0.0009%). This variant has been observed in individual(s) with clinical features of developmental and epileptic encephalopathy (Invitae). Variants that disrupt the consensus splice site are a relatively common cause of aberrant splicing (PMID: 17576681, 9536098). Algorithms developed to predict the effect of sequence changes on RNA splicing suggest that this variant may disrupt the consensus splice site. In summary, the available evidence is currently insufficient to determine the role of this variant in disease. Therefore, it has been classified as a Variant of Uncertain Significance.

Literature cited by the submitters: PubMed 17576681; PubMed 9536098.